The following is an entry in ClinVar:

NM_000038.6(APC):c.2775C>G (p.Ser925Arg)

Gene: APC (APC regulator of Wnt signaling pathway; plus strand). Cytogenetic location: 5q22.2.
Variant type: single nucleotide variant.
Coding change: c.2775C>G on transcript NM_000038.6 (MANE Select); coding-DNA position 2775, C replaced by G.
Protein change: p.Ser925Arg; replaces serine 925 with arginine.
Molecular consequence: missense variant.
Genome position (GRCh38, 1-based): chr5:112,838,369, C>G. VCF-style: chr5-112838369-C-G. GRCh37 (hg19) VCF-style: chr5-112174066-C-G.
Other names: c.2775C>G, p.Ser925Arg (NM_001127510.3, NM_001354895.2); c.2721C>G, p.Ser907Arg (NM_001127511.3); c.2829C>G, p.Ser943Arg (NM_001354896.2); c.2805C>G, p.Ser935Arg (NM_001354897.2); c.2700C>G, p.Ser900Arg (NM_001354898.2); c.2691C>G, p.Ser897Arg (NM_001354899.2); c.2652C>G, p.Ser884Arg (NM_001354900.2); c.2598C>G, p.Ser866Arg (NM_001354901.2); and 5 more; short protein forms S907R, S925R, S824R, S866R, S897R, S765R, S884R, S900R.
Identifiers: ClinVar variation 220939 (VCV000220939.22), dbSNP rs864622701, ClinGen allele CA349376.

ClinVar aggregate classification (germline): Uncertain significance. Review status: criteria provided, multiple submitters, no conflicts (2 of 4 stars). 4 submissions from 4 submitters: Uncertain significance (4). Last evaluated 2024-11-20.

Conditions:
Hereditary cancer-predisposing syndrome. Also called: Hereditary neoplastic syndrome; Tumor predisposition; Hereditary Cancer Syndrome; Neoplastic Syndromes, Hereditary. Identifiers: Orphanet 140162, MedGen C0027672, MeSH D009386, MONDO:0015356.
Familial adenomatous polyposis 1 (FAP1). Also called: FAMILIAL ADENOMATOUS POLYPOSIS 1, ATTENUATED; POLYPOSIS, ADENOMATOUS INTESTINAL. Identifiers: MedGen C2713442, MONDO:0021056, OMIM 175100. Disease mechanism: loss of function.

Allele frequency attached by ClinVar (database versions not stated): gnomAD 0.00001.
gnomAD v4.1: 3 of 1,614,032 alleles (0.00019%); highest among the groups gnomAD compares: Non-Finnish European, 0.00025%; no homozygotes.

Submissions (4):

Ambry Genetics
Classification: Uncertain significance for Hereditary cancer-predisposing syndrome. Last evaluated: 2024-11-20. Review status: criteria provided, single submitter. Criteria: Ambry Variant Classification Scheme 2023. Collection method: clinical testing. Allele origin: germline.
Comment: The p.S925R variant (also known as c.2775C>G), located in coding exon 15 of the APC gene, results from a C to G substitution at nucleotide position 2775. The serine at codon 925 is replaced by arginine, an amino acid with dissimilar properties. This amino acid position is not well conserved in available vertebrate species. In addition, in silico predictors for this gene do not accurately predict pathogenicity. Missense alterations in APC are not a common cause of disease (Spier I et al. Genet Med. 2024 Feb;26(2):100992). Based on the available evidence, the clinical significance of this variant remains unclear.

Labcorp Genetics (formerly Invitae), Labcorp
Classification: Uncertain significance for Familial adenomatous polyposis 1. Last evaluated: 2024-10-31. Review status: criteria provided, single submitter. Criteria: Invitae Variant Classification Sherloc (09022015). Collection method: clinical testing. Allele origin: germline.
Comment: This sequence change replaces serine, which is neutral and polar, with arginine, which is basic and polar, at codon 925 of the APC protein (p.Ser925Arg). This variant is present in population databases (no rsID available, gnomAD 0.007%). This variant has not been reported in the literature in individuals affected with APC-related conditions. ClinVar contains an entry for this variant (Variation ID: 220939). Invitae Evidence Modeling of protein sequence and biophysical properties (such as structural, functional, and spatial information, amino acid conservation, physicochemical variation, residue mobility, and thermodynamic stability) indicates that this missense variant is not expected to disrupt APC protein function with a negative predictive value of 95%. In summary, the available evidence is currently insufficient to determine the role of this variant in disease. Therefore, it has been classified as a Variant of Uncertain Significance.

Color Diagnostics, LLC DBA Color Health
Classification: Uncertain significance for Hereditary cancer-predisposing syndrome. Last evaluated: 2024-03-06. Review status: criteria provided, single submitter. Criteria: ACMG Guidelines, 2015. Collection method: clinical testing. Allele origin: germline.
Comment: This missense variant replaces serine with arginine at codon 925 of the APC protein. Computational prediction suggests that this variant may not impact protein structure and function (internally defined REVEL score threshold <= 0.5, PMID: 27666373). To our knowledge, functional studies have not been reported for this variant. This variant has not been reported in individuals affected with hereditary cancer in the literature. This variant has been identified in 1/31414 chromosomes in the general population by the Genome Aggregation Database (gnomAD). The available evidence is insufficient to determine the role of this variant in disease conclusively. Therefore, this variant is classified as a Variant of Uncertain Significance.

GeneDx
Classification: Uncertain significance. Last evaluated: 2022-02-14. Review status: criteria provided, single submitter. Criteria: GeneDx Variant Classification Process June 2021. Collection method: clinical testing. Allele origin: germline. Affected: yes.
Comment: Not observed at significant frequency in large population cohorts (gnomAD); In silico analysis supports that this missense variant does not alter protein structure/function; Has not been previously published as pathogenic or benign to our knowledge